The following is an entry in ClinVar:

NM_030665.4(RAI1):c.1947C>T (p.Cys649=)

Gene: RAI1 (retinoic acid induced 1; plus strand). Cytogenetic location: 17p11.2.
Variant type: single nucleotide variant.
Coding change: c.1947C>T on transcript NM_030665.4 (MANE Select); coding-DNA position 1947, C replaced by T.
Protein change: p.Cys649=; no amino-acid change (cysteine 649 retained).
Molecular consequence: synonymous variant.
Genome position (GRCh38, 1-based): chr17:17,794,895, C>T. VCF-style: chr17-17794895-C-T. GRCh37 (hg19) VCF-style: chr17-17698209-C-T.
Other names: c.1947C>T (NM_030665.3).
Identifiers: ClinVar variation 2076410 (VCV002076410.5), dbSNP rs914404805, ClinGen allele CA288368028.
Genomic context (GRCh38, chr17:17,794,895, plus strand): 5'-ACCCAGCCTGGTCAAGGACAGCAGCAAGCCACCCTTCTCGCTGGAGAACCACAGCGCCTG[C>T]CTGGACTCTGTGGCCAAGAGTGCGTGGCCCCGGCCTGGGGAGCCGGAGGCCCTGCCCGAC-3'
Protein context (NP_109590.3, residues 639-659): PPFSLENHSA[Cys649=]LDSVAKSAWP

ClinVar aggregate classification (germline): Likely benign. Review status: criteria provided, single submitter (1 of 4 stars). 2 submissions from 2 submitters: Likely benign (1). 1 of the submissions does not count toward it. Last evaluated 2023-10-27.

Conditions:
RAI1-related disorder. Also called: RAI1-related condition.

Allele frequency attached by ClinVar (database versions not stated): gnomAD 0.00001; gnomAD exomes below 0.00001; TOPMed 0.00001.
gnomAD v4.1: 4 of 1,613,390 alleles (0.00025%); highest among the groups gnomAD compares: Admixed American, 0.0033%; no homozygotes.

Submissions (2):

Labcorp Genetics (formerly Invitae), Labcorp
Classification: Likely benign. Last evaluated: 2023-10-27. Review status: criteria provided, single submitter. Criteria: Invitae Variant Classification Sherloc (09022015). Collection method: clinical testing. Allele origin: germline.

PreventionGenetics, part of Exact Sciences
Classification: Likely benign for RAI1-related condition. Last evaluated: 2021-10-06. Review status: no assertion criteria provided. Collection method: clinical testing. Allele origin: germline. Not counted in ClinVar's aggregate classification.
Comment: This variant is classified as likely benign based on ACMG/AMP sequence variant interpretation guidelines (Richards et al. 2015 PMID: 25741868, with internal and published modifications).